The following is an entry in ClinVar:

NM_001369369.1(FOXN1):c.184T>A (p.Ser62Thr)

Gene: FOXN1 (forkhead box N1; plus strand). Cytogenetic location: 17q11.2.
Variant type: single nucleotide variant.
Coding change: c.184T>A on transcript NM_001369369.1 (MANE Select); coding-DNA position 184, T replaced by A.
Protein change: p.Ser62Thr; replaces serine 62 with threonine.
Molecular consequence: missense variant.
Genome position (GRCh38, 1-based): chr17:28,524,563, T>A. VCF-style: chr17-28524563-T-A. GRCh37 (hg19) VCF-style: chr17-26851581-T-A.
Other names: c.184T>A, p.Ser62Thr (NM_003593.3); short protein forms S62T.
Identifiers: ClinVar variation 1426699 (VCV001426699.6), dbSNP rs2069719217, ClinGen allele CA398320664.

ClinVar aggregate classification (germline): Uncertain significance (1 of 4 stars; one submission).

Conditions:
T-cell immunodeficiency, congenital alopecia, and nail dystrophy. Also called: Congenital alopecia and nail dystrophy associated with severe functional T-cell immunodeficiency; Pignata Guarino syndrome. Identifiers: Orphanet 169095, MedGen C1866426, MONDO:0011132, OMIM 601705.

Allele frequency attached by ClinVar (database versions not stated): gnomAD exomes below 0.00001.
gnomAD v4.1: 2 of 1,613,668 alleles (0.00012%); highest among the groups gnomAD compares: Non-Finnish European, 0.00017%; no homozygotes.

Submission:

Labcorp Genetics (formerly Invitae), Labcorp
Classification: Uncertain significance for T-cell immunodeficiency, congenital alopecia, and nail dystrophy. Last evaluated: 2021-08-31. Review status: criteria provided, single submitter. Criteria: Invitae Variant Classification Sherloc (09022015). Collection method: clinical testing. Allele origin: germline.
Comment: In summary, the available evidence is currently insufficient to determine the role of this variant in disease. Therefore, it has been classified as a Variant of Uncertain Significance. Algorithms developed to predict the effect of missense changes on protein structure and function are either unavailable or do not agree on the potential impact of this missense change (SIFT: "Tolerated"; PolyPhen-2: "Probably Damaging"; Align-GVGD: "Class C0"). This variant has not been reported in the literature in individuals affected with FOXN1-related conditions. This variant is not present in population databases (ExAC no frequency). This sequence change replaces serine with threonine at codon 62 of the FOXN1 protein (p.Ser62Thr). The serine residue is moderately conserved and there is a small physicochemical difference between serine and threonine.